The following is an entry in ClinVar:

ClinVar aggregate classification (germline): Uncertain significance. Review status: criteria provided, multiple submitters, no conflicts (2 of 4 stars). 4 submissions from 4 submitters: Uncertain significance (4). Last evaluated 2023-11-29.

Conditions:
Emery-Dreifuss muscular dystrophy 4, autosomal dominant (EDMD4). Also called: EMERY-DREIFUSS MUSCULAR DYSTROPHY 4 WITH VARIABLE FEATURES. Identifiers: Orphanet 261, MedGen C2751807, MONDO:0013071, OMIM 612998.
Autosomal recessive ataxia, Beauce type. Also called: SYNE1-Related Autosomal Recessive Cerebellar Ataxia; Spinocerebellar ataxia, autosomal recessive 8; ATAXIA, RECESSIVE, OF BEAUCE; SYNE1 Deficiency. Identifiers: Orphanet 88644, MedGen C1853116, MONDO:0012549, OMIM 610743.

Allele frequency attached by ClinVar (database versions not stated): ExAC 0.00001; gnomAD exomes 0.00002 and 0.00006; gnomAD 0.00003 and 0.00004; TOPMed 0.00003.
gnomAD v4.1: 93 of 1,614,078 alleles (0.0058%); highest among the groups gnomAD compares: Non-Finnish European, 0.0071%; no homozygotes.

Submissions (4):

Revvity Omics, Revvity
Classification: Uncertain significance. Last evaluated: 2023-11-29. Review status: criteria provided, single submitter. Criteria: ACMG Guidelines, 2015. Collection method: clinical testing. Allele origin: germline.

Labcorp Genetics (formerly Invitae), Labcorp
Classification: Uncertain significance for Emery-Dreifuss muscular dystrophy 4, autosomal dominant; Autosomal recessive ataxia, Beauce type. Last evaluated: 2022-07-12. Review status: criteria provided, single submitter. Criteria: Invitae Variant Classification Sherloc (09022015). Collection method: clinical testing. Allele origin: germline.
Comment: This sequence change replaces alanine, which is neutral and non-polar, with valine, which is neutral and non-polar, at codon 1223 of the SYNE1 protein (p.Ala1223Val). This variant is present in population databases (rs200629713, gnomAD 0.007%). This variant has not been reported in the literature in individuals affected with SYNE1-related conditions. ClinVar contains an entry for this variant (Variation ID: 571293). Algorithms developed to predict the effect of missense changes on protein structure and function are either unavailable or do not agree on the potential impact of this missense change (SIFT: "Deleterious"; PolyPhen-2: "Benign"; Align-GVGD: "Class C0"). Algorithms developed to predict the effect of sequence changes on RNA splicing suggest that this variant may create or strengthen a splice site. In summary, the available evidence is currently insufficient to determine the role of this variant in disease. Therefore, it has been classified as a Variant of Uncertain Significance.

GeneDx
Classification: Uncertain significance. Last evaluated: 2022-02-18. Review status: criteria provided, single submitter. Criteria: GeneDx Variant Classification Process June 2021. Collection method: clinical testing. Allele origin: germline. Affected: yes.
Comment: Not observed at significant frequency in large population cohorts (gnomAD); In silico analysis supports that this missense variant has a deleterious effect on protein structure/function; Has not been previously published as pathogenic or benign to our knowledge

Eurofins Ntd Llc (ga)
Classification: Uncertain significance. Last evaluated: 2018-03-12. Review status: criteria provided, single submitter. Criteria: EGL ClinVar v180209 classification definitions. Collection method: clinical testing. Allele origin: germline. Observed: 1 variant allele, 1 heterozygote.

NM_182961.4(SYNE1):c.3647C>T (p.Ala1216Val)

Gene: SYNE1 (spectrin repeat containing nuclear envelope protein 1; minus strand). Cytogenetic location: 6q25.2.
Variant type: single nucleotide variant.
Coding change: c.3647C>T on transcript NM_182961.4 (MANE Select); coding-DNA position 3647, C replaced by T.
Protein change: p.Ala1216Val; replaces alanine 1216 with valine.
Molecular consequence: missense variant.
Genome position (GRCh38, 1-based): chr6:152,447,480, G>A on the plus strand (C>T on the coding strand, the complement: SYNE1 is on the minus strand). VCF-style: chr6-152447480-G-A. GRCh37 (hg19) VCF-style: chr6-152768615-G-A.
Other names: c.3668C>T, p.Ala1223Val (NM_033071.5); short protein forms A1216V, A1223V.
Identifiers: ClinVar variation 571293 (VCV000571293.12), dbSNP rs200629713, ClinGen allele CA4058792.
Genomic context (GRCh38, chr6:152,447,480, plus strand): 5'-TCAGAACTGTCTGTTTAGAGTGTGAGTAAATGCTGTACCTCTGACAGCAGCGTCACAAGA[G>A]CCTTGAAAGAGCTGGATAATTTTGCCAGCTCATCTCCCTGCTTTTGGGCTTCATTCTCAG-3'
Protein context (NP_892006.3, residues 1206-1226): ELAKLSSSFK[Ala1216Val]LVTLLSEVEK